The following is an entry in ClinVar:

ClinVar aggregate classification (germline): Likely benign (1 of 4 stars; one submission).

Submission:

CeGaT Center for Human Genetics Tuebingen
Classification: Likely benign. Last evaluated: 2022-09-01. Review status: criteria provided, single submitter. Criteria: CeGaT Center For Human Genetics Tuebingen Variant Classification Criteria Version 2. Collection method: clinical testing. Allele origin: germline. Affected: yes. Observed: 1 variant allele.
Comment: ALDH18A1: PM2:Supporting, BP4, BP7

NM_002860.4(ALDH18A1):c.957G>A (p.Leu319=)

Gene: ALDH18A1 (aldehyde dehydrogenase 18 family member A1; minus strand). Cytogenetic location: 10q24.1.
Variant type: single nucleotide variant.
Coding change: c.957G>A on transcript NM_002860.4 (MANE Select); coding-DNA position 957, G replaced by A.
Protein change: p.Leu319=; no amino-acid change (leucine 319 retained).
Molecular consequence: synonymous variant.
Genome position (GRCh38, 1-based): chr10:95,627,563, C>T on the plus strand (G>A on the coding strand, the complement: ALDH18A1 is on the minus strand). VCF-style: chr10-95627563-C-T. GRCh37 (hg19) VCF-style: chr10-97387320-C-T.
Other names: c.951G>A, p.Leu317= (NM_001017423.2, NM_001323415.2); c.624G>A, p.Leu208= (NM_001323412.2, NM_001323416.2); c.957G>A, p.Leu319= (NM_001323413.2, NM_001323414.2); c.852G>A, p.Leu284= (NM_001323417.2); c.618G>A, p.Leu206= (NM_001323418.2); c.321G>A, p.Leu107= (NM_001323419.2).
Identifiers: ClinVar variation 2640716 (VCV002640716.24), dbSNP rs2526828579, ClinGen allele CA471029199.